The following is an entry in ClinVar:

ClinVar aggregate classification (germline): Pathogenic. Review status: criteria provided, single submitter (1 of 4 stars). 4 submissions from 4 submitters: Pathogenic (1). 3 of the submissions do not count toward it. Last evaluated 2022-05-22.

Conditions:
Global developmental delay (DD). Also called: Cognitive delay. Identifiers: MedGen C0557874, HP:0001263. Disease mechanism: loss of function.
Seizure. Also called: Seizures. Identifiers: MedGen C0036572, HP:0001250.
Developmental and epileptic encephalopathy, 13 (DEE13). Also called: SCN8A-Related Epilepsy; Early infantile epileptic encephalopathy 13; Developmental and Epileptic Encephalopathy (SCN8A-DEE). Identifiers: Orphanet 442835, MedGen C3281191, MONDO:0013801, OMIM 614558.

Submissions (5):

3billion
Classification: Pathogenic for Developmental and epileptic encephalopathy, 13. Last evaluated: 2022-05-22. Review status: criteria provided, single submitter. Criteria: ACMG Guidelines, 2015. Collection method: clinical testing. Allele origin: germline. Affected: yes. Observed: 1 heterozygote.
Comment: The variant is not observed in the gnomAD v2.1.1 dataset. Missense changes are a common disease-causing mechanism. Functional studies provide strong evidence of the variant having a damaging effect on the gene or gene product (PMID: 25725044). In silico tool predictions suggest damaging effect of the variant on gene or gene product (REVEL: 0.90; 3Cnet: 0.38). Same nucleotide change resulting in same amino acid change has been previously reported to be associated with SCN8A related disorder (ClinVar ID: VCV000192317 / PMID: 25725044). The variant has been previously reported as de novo in a similarly affected individual (PMID: 25725044). Therefore, this variant is classified as pathogenic according to the recommendation of ACMG/AMP guideline.

OMIM
Classification: Pathogenic for DEVELOPMENTAL AND EPILEPTIC ENCEPHALOPATHY 13. Last evaluated: 2015-05-01. Review status: no assertion criteria provided. Collection method: literature only. Allele origin: germline. Not counted in ClinVar's aggregate classification.

Channelopathy-Associated Epilepsy Research Center
No classification provided (evidence only). Condition: Complex neurodevelopmental disorder. Review status: no classification provided. Collection method: literature only. Allele origin: not applicable. Functional consequence: Moderate hyperpolarizing shift of voltage dependence of activation, Normal voltage dependence of fast inactivation, Overall gain-of-function effect with respect to biophysical channel activity. Not counted in ClinVar's aggregate classification.
ClinVar note: "not provided" was previously submitted as the classification for the variant. However, the classification appeared to be based only on an observation of functional data so it was converted to no classification on 2025-07-30.

GeneReviews
No classification provided. Condition: Developmental and epileptic encephalopathy, 13. Review status: no classification provided. Collection method: literature only. Allele origin: germline. Affected: yes. Not counted in ClinVar's aggregate classification.

NIHR Bioresource Rare Diseases, University of Cambridge
Classification: Pathogenic for Seizure; Global developmental delay. Review status: no assertion criteria provided. Collection method: research. Allele origin: unknown. Affected: yes. Observed: 1 variant allele. Not counted in ClinVar's aggregate classification.

Literature cited by the submitters: PubMed 25725044 (cited by 4 submitters); NCBI Bookshelf NBK379665 (cited by GeneReviews); PubMed 32581362 (cited by NIHR Bioresource Rare Diseases, University of Cambridge).

NM_001330260.2(SCN8A):c.2952C>G (p.Asn984Lys)

Gene: SCN8A (sodium voltage-gated channel alpha subunit 8; plus strand). Cytogenetic location: 12q13.13.
Variant type: single nucleotide variant.
Coding change: c.2952C>G on transcript NM_001330260.2 (MANE Select); coding-DNA position 2952, C replaced by G.
Protein change: p.Asn984Lys; replaces asparagine 984 with lysine.
Molecular consequence: missense variant.
Genome position (GRCh38, 1-based): chr12:51,768,915, C>G. VCF-style: chr12-51768915-C-G. GRCh37 (hg19) VCF-style: chr12-52162699-C-G.
Other names: c.2952C>G, p.Asn984Lys (NM_001177984.3, NM_001369788.1, NM_014191.4); short protein forms N984K.
Identifiers: ClinVar variation 192317 (VCV000192317.9), dbSNP rs876657399, ClinGen allele CA10575719.